The following is an entry in ClinVar:

NM_003126.4(SPTA1):c.4976G>T (p.Arg1659Leu)

Gene: SPTA1 (spectrin alpha, erythrocytic 1; minus strand). Cytogenetic location: 1q23.1.
Variant type: single nucleotide variant.
Coding change: c.4976G>T on transcript NM_003126.4 (MANE Select); coding-DNA position 4976, G replaced by T.
Protein change: p.Arg1659Leu; replaces arginine 1659 with leucine.
Molecular consequence: missense variant.
Genome position (GRCh38, 1-based): chr1:158,639,586, C>A on the plus strand (G>T on the coding strand, the complement: SPTA1 is on the minus strand). VCF-style: chr1-158639586-C-A. GRCh37 (hg19) VCF-style: chr1-158609376-C-A.
Other names: short protein forms R1659L.
Identifiers: ClinVar variation 3652496 (VCV003652496.2).

ClinVar aggregate classification (germline): Uncertain significance (1 of 4 stars; one submission).

Submission:

Labcorp Genetics (formerly Invitae), Labcorp
Classification: Uncertain significance. Last evaluated: 2024-06-20. Review status: criteria provided, single submitter. Criteria: Invitae Variant Classification Sherloc (09022015). Collection method: clinical testing. Allele origin: germline.
Comment: This sequence change replaces arginine, which is basic and polar, with leucine, which is neutral and non-polar, at codon 1659 of the SPTA1 protein (p.Arg1659Leu). This variant is not present in population databases (gnomAD no frequency). This variant has not been reported in the literature in individuals affected with SPTA1-related conditions. Advanced modeling of protein sequence and biophysical properties (such as structural, functional, and spatial information, amino acid conservation, physicochemical variation, residue mobility, and thermodynamic stability) has been performed at Invitae for this missense variant, however the output from this modeling did not meet the statistical confidence thresholds required to predict the impact of this variant on SPTA1 protein function. In summary, the available evidence is currently insufficient to determine the role of this variant in disease. Therefore, it has been classified as a Variant of Uncertain Significance.